The following is an entry in ClinVar:

NM_000037.4(ANK1):c.714C>T (p.Asn238=)

Gene: ANK1 (ankyrin 1; minus strand). Cytogenetic location: 8p11.21.
Variant type: single nucleotide variant.
Coding change: c.714C>T on transcript NM_000037.4 (MANE Select); coding-DNA position 714, C replaced by T.
Protein change: p.Asn238=; no amino-acid change (asparagine 238 retained).
Molecular consequence: synonymous variant.
Genome position (GRCh38, 1-based): chr8:41,723,631, G>A on the plus strand (C>T on the coding strand, the complement: ANK1 is on the minus strand). VCF-style: chr8-41723631-G-A. GRCh37 (hg19) VCF-style: chr8-41581149-G-A.
Other names: c.714C>T, p.Asn238= (NM_020476.3, NM_020477.3, NM_020475.3); c.813C>T, p.Asn271= (NM_001142446.2).
Identifiers: ClinVar variation 3033123 (VCV003033123.3), dbSNP rs751571915, ClinGen allele CA4728874.

ClinVar aggregate classification (germline): Likely benign. Review status: criteria provided, single submitter (1 of 4 stars). 2 submissions from 2 submitters: Likely benign (1). 1 of the submissions does not count toward it. Last evaluated 2025-06-12.

Conditions:
ANK1-related disorder. Also called: ANK1-related condition.

Allele frequency attached by ClinVar (database versions not stated): TOPMed below 0.00001; ExAC 0.00001; gnomAD 0.00002.
gnomAD v4.1: 48 of 1,612,576 alleles (0.003%); highest among the groups gnomAD compares: Middle Eastern, 0.016%; no homozygotes.

Submissions (2):

Labcorp Genetics (formerly Invitae), Labcorp
Classification: Likely benign. Last evaluated: 2025-06-12. Review status: criteria provided, single submitter. Criteria: Invitae Variant Classification Sherloc (09022015). Collection method: clinical testing. Allele origin: germline.

PreventionGenetics, part of Exact Sciences
Classification: Likely benign for ANK1-related condition. Last evaluated: 2019-06-12. Review status: no assertion criteria provided. Collection method: clinical testing. Allele origin: germline. Not counted in ClinVar's aggregate classification.
Comment: This variant is classified as likely benign based on ACMG/AMP sequence variant interpretation guidelines (Richards et al. 2015 PMID: 25741868, with internal and published modifications).